The following is an entry in ClinVar:

NM_005199.5(CHRNG):c.951C>A (p.Ile317=)

Gene: CHRNG (cholinergic receptor nicotinic gamma subunit; plus strand). Cytogenetic location: 2q37.1.
Variant type: single nucleotide variant.
Coding change: c.951C>A on transcript NM_005199.5 (MANE Select); coding-DNA position 951, C replaced by A.
Protein change: p.Ile317=; no amino-acid change (isoleucine 317 retained).
Molecular consequence: synonymous variant.
Genome position (GRCh38, 1-based): chr2:232,543,615, C>A. VCF-style: chr2-232543615-C-A. GRCh37 (hg19) VCF-style: chr2-233408325-C-A.
Identifiers: ClinVar variation 199105 (VCV000199105.16), dbSNP rs75369104, ClinGen allele CA203752.

ClinVar aggregate classification (germline): Benign/Likely benign. Review status: criteria provided, multiple submitters, no conflicts (2 of 4 stars). 5 submissions from 5 submitters: Benign (4); Likely benign (1). Last evaluated 2026-02-04.

Conditions:
Lethal multiple pterygium syndrome (LMPS). Identifiers: Orphanet 33108, MedGen C1854678, MONDO:0009668, OMIM 253290.

Allele frequency attached by ClinVar (database versions not stated): ESP Exome Variant Server 0.00569; 1000 Genomes Project 30x 0.00984; gnomAD 0.00988 and 0.01024; gnomAD exomes 0.01009 and 0.01401; TOPMed 0.01074; 1000 Genomes Project 0.01178; ExAC 0.01288.
gnomAD v4.1: 16,334 of 1,613,384 alleles (1%); highest among the groups gnomAD compares: East Asian, 3.6%; 175 homozygotes.

Submissions (5):

Labcorp Genetics (formerly Invitae), Labcorp
Classification: Benign. Last evaluated: 2026-02-04. Review status: criteria provided, single submitter. Criteria: Invitae Variant Classification Sherloc (09022015). Collection method: clinical testing. Allele origin: germline.

GeneDx
Classification: Likely benign. Last evaluated: 2021-01-12. Review status: criteria provided, single submitter. Criteria: GeneDx Variant Classification Process June 2021. Collection method: clinical testing. Allele origin: germline. Affected: yes.

Illumina Laboratory Services, Illumina
Classification: Benign for Lethal multiple pterygium syndrome. Last evaluated: 2018-01-13. Review status: criteria provided, single submitter. Criteria: ICSL Variant Classification Criteria 13 December 2019. Collection method: clinical testing. Allele origin: germline.
Comment: This variant was observed in the ICSL laboratory as part of a predisposition screen in an ostensibly healthy population. It had not been previously curated by ICSL or reported in the Human Gene Mutation Database (HGMD: prior to June 1st, 2018), and was therefore a candidate for classification through an automated scoring system. Utilizing variant allele frequency, disease prevalence and penetrance estimates, and inheritance mode, an automated score was calculated to assess if this variant is too frequent to cause the disease. Based on the score and internal cut-off values, a variant classified as benign is not then subjected to further curation. The score for this variant resulted in a classification of benign for this disease.

Eurofins Ntd Llc (ga)
Classification: Benign. Last evaluated: 2014-12-10. Review status: criteria provided, single submitter. Criteria: EGL Classification Definitions 2015. Collection method: clinical testing. Allele origin: germline. Observed: 2 variant alleles, 2 heterozygotes.

PreventionGenetics, part of Exact Sciences
Classification: Benign. Review status: criteria provided, single submitter. Criteria: ACMG Guidelines, 2015. Collection method: clinical testing. Allele origin: germline.